The following is an entry in ClinVar:

NM_001330288.2(SMARCC2):c.533T>C (p.Val178Ala)

Gene: SMARCC2 (SWI/SNF related BAF chromatin remodeling complex subunit C2; minus strand). Cytogenetic location: 12q13.2.
Variant type: single nucleotide variant.
Coding change: c.533T>C on transcript NM_001330288.2 (MANE Select); coding-DNA position 533, T replaced by C.
Protein change: p.Val178Ala; replaces valine 178 with alanine.
Molecular consequence: missense variant.
Genome position (GRCh38, 1-based): chr12:56,184,204, A>G on the plus strand (T>C on the coding strand, the complement: SMARCC2 is on the minus strand). VCF-style: chr12-56184204-A-G. GRCh37 (hg19) VCF-style: chr12-56577988-A-G.
Other names: c.533T>C, p.Val178Ala (NM_001130420.3, NM_003075.5, NM_139067.4); short protein forms V178A.
Identifiers: ClinVar variation 2039637 (VCV002039637.4), dbSNP rs774189919, ClinGen allele CA6626363.

ClinVar aggregate classification (germline): Uncertain significance (1 of 4 stars; one submission).

Allele frequency attached by ClinVar (database versions not stated): gnomAD exomes below 0.00001; TOPMed below 0.00001; ExAC 0.00001; gnomAD 0.00001.
gnomAD v4.1: 2 of 1,613,702 alleles (0.00012%); highest among the groups gnomAD compares: Admixed American, 0.0033%; no homozygotes.

Submission:

Labcorp Genetics (formerly Invitae), Labcorp
Classification: Uncertain significance. Last evaluated: 2021-12-11. Review status: criteria provided, single submitter. Criteria: Invitae Variant Classification Sherloc (09022015). Collection method: clinical testing. Allele origin: germline.
Comment: In summary, the available evidence is currently insufficient to determine the role of this variant in disease. Therefore, it has been classified as a Variant of Uncertain Significance. Algorithms developed to predict the effect of missense changes on protein structure and function are either unavailable or do not agree on the potential impact of this missense change (SIFT: "Not Available"; PolyPhen-2: "Benign"; Align-GVGD: "Not Available"). This variant has not been reported in the literature in individuals affected with SMARCC2-related conditions. This variant is present in population databases (rs774189919, gnomAD 0.006%). This sequence change replaces valine, which is neutral and non-polar, with alanine, which is neutral and non-polar, at codon 178 of the SMARCC2 protein (p.Val178Ala).